The following is an entry in ClinVar:

ClinVar aggregate classification (germline): Pathogenic (1 of 4 stars; one submission).

Submission:

GeneDx
Classification: Pathogenic. Last evaluated: 2018-09-12. Review status: criteria provided, single submitter. Criteria: GeneDx Variant Classification (06012015). Collection method: clinical testing. Allele origin: germline. Affected: yes.
Comment: The c.1270_1271delAT variant in the NAA15 gene has not been reported previously as a pathogenic variant nor as a benign variant, to our knowledge. The c.1270_1271delAT variant causes a frameshift whereby codon Isoleucine 424 is changed to a premature Stop codon, denoted p.Ile424Ter. This variant is predicted to cause loss of normal protein function either through protein truncation or nonsense-mediated mRNA decay. The c.1270_1271delAT variant is not observed in large population cohorts (Lek et al., 2016). We interpret c.1270_1271delAT as a pathogenic variant.

NM_057175.5(NAA15):c.1270_1271del (p.Asn423_Ile424insTer)

Gene: NAA15 (N-alpha-acetyltransferase 15, NatA auxiliary subunit; plus strand). Cytogenetic location: 4q31.1.
Variant type: Microsatellite.
Coding change: c.1270_1271del on transcript NM_057175.5 (MANE Select); coding-DNA positions 1270 to 1271, 2 bases deleted (AT; older notation c.1270_1271delAT).
Protein change: p.Asn423_Ile424insTer.
Molecular consequence: nonsense.
Genome position (GRCh38, 1-based): chr4:139,359,755-139,359,756, AT deleted; deleting any 2 consecutive bases within chr4:139,359,753-139,359,756 gives the same sequence; the c. name uses the placement nearest the transcript's 3' end. VCF-style (leftmost placement, unchanged base first): chr4-139359752-AAT-A. GRCh37 (hg19) VCF-style: chr4-140280906-AAT-A.
Identifiers: ClinVar variation 816999 (VCV000816999.1), dbSNP rs1579122077, ClinGen allele CA915943210.